The following is an entry in ClinVar:

ClinVar aggregate classification (germline): Uncertain significance (1 of 4 stars; one submission).

Conditions:
Long QT syndrome (LQTS). Identifiers: MedGen C0023976, MeSH D008133, MONDO:0002442. Disease mechanism: loss of function. Inheritance: Various modes of inheritance.

gnomAD v4.1: 1 of 1,614,088 alleles (0.000062%); highest among the groups gnomAD compares: Non-Finnish European, 0.000085%; no homozygotes.

Submission:

Labcorp Genetics (formerly Invitae), Labcorp
Classification: Uncertain significance for Long QT syndrome. Last evaluated: 2022-12-30. Review status: criteria provided, single submitter. Criteria: Invitae Variant Classification Sherloc (09022015). Collection method: clinical testing. Allele origin: germline.
Comment: This sequence change replaces valine, which is neutral and non-polar, with leucine, which is neutral and non-polar, at codon 2714 of the ANK2 protein (p.Val2714Leu). This variant is present in population databases (no rsID available, gnomAD 0.0009%). This variant has not been reported in the literature in individuals affected with ANK2-related conditions. Algorithms developed to predict the effect of missense changes on protein structure and function (SIFT, PolyPhen-2, Align-GVGD) all suggest that this variant is likely to be tolerated. In summary, the available evidence is currently insufficient to determine the role of this variant in disease. Therefore, it has been classified as a Variant of Uncertain Significance.

NM_001148.6(ANK2):c.8140G>C (p.Val2714Leu)

Gene: ANK2 (ankyrin 2; plus strand). Cytogenetic location: 4q26.
Variant type: single nucleotide variant.
Coding change: c.8140G>C on transcript NM_001148.6 (MANE Select); coding-DNA position 8140, G replaced by C.
Protein change: p.Val2714Leu; replaces valine 2714 with leucine.
Molecular consequence: missense variant. On other transcripts: intron variant (68).
Genome position (GRCh38, 1-based): chr4:113,356,758, G>C. VCF-style: chr4-113356758-G-C. GRCh37 (hg19) VCF-style: chr4-114277914-G-C.
Other names: c.7906G>C, p.Val2636Leu (NM_001386142.1); c.4540G>C, p.Val1514Leu (NM_001386166.1); c.8281G>C, p.Val2761Leu (NM_001386174.1); c.8257G>C, p.Val2753Leu (NM_001386175.1); c.4412-4065G>C (NM_001386186.2, NM_001386148.2); c.4214-4065G>C (NM_001354269.3); c.4292-4065G>C (NM_001386187.2); c.4253-4065G>C (NM_001386147.1); and 35 more; short protein forms V2753L, V2636L, V1514L, V2761L, V2714L.
Identifiers: ClinVar variation 2807746 (VCV002807746.3), dbSNP rs753223319, ClinGen allele CA357933122.
Genomic context (GRCh38, chr4:113,356,758, plus strand): 5'-CCACTTCCATCAAGCATGGACTCCAATTCCAGTCCAGAAGAAGTACAATTCCAGCCTGTC[G>C]TTTCCAAACAATATACTTTCAAGATGAATGAAGATACTCAGGAAGAGCCAGGCAAATCAG-3'
Protein context (NP_001139.3, residues 2704-2724): SPEEVQFQPV[Val2714Leu]SKQYTFKMNE